The following is an entry in ClinVar:

NM_080473.5(GATA5):c.130T>C (p.Ser44Pro)

Gene: GATA5 (GATA binding protein 5; minus strand). Cytogenetic location: 20q13.33.
Variant type: single nucleotide variant.
Coding change: c.130T>C on transcript NM_080473.5 (MANE Select); coding-DNA position 130, T replaced by C.
Protein change: p.Ser44Pro; replaces serine 44 with proline.
Molecular consequence: missense variant.
Genome position (GRCh38, 1-based): chr20:62,475,392, A>G on the plus strand (T>C on the coding strand, the complement: GATA5 is on the minus strand). VCF-style: chr20-62475392-A-G. GRCh37 (hg19) VCF-style: chr20-61050448-A-G.
Other names: short protein forms S44P.
Identifiers: ClinVar variation 1206630 (VCV001206630.12), dbSNP rs781869793, ClinGen allele CA9946330.

ClinVar aggregate classification (germline): Conflicting classifications of pathogenicity. Review status: criteria provided, conflicting classifications (1 of 4 stars). 5 submissions from 5 submitters: Uncertain significance (3); Likely benign (2). Last evaluated 2026-08-01.

Allele frequency attached by ClinVar (database versions not stated): gnomAD exomes 0.00005; TOPMed 0.00005; gnomAD 0.00011 and 0.00012.
gnomAD v4.1: 80 of 1,350,502 alleles (0.0059%); highest among the groups gnomAD compares: Non-Finnish European, 0.0075%; no homozygotes.

Submissions (5):

CeGaT Center for Human Genetics Tuebingen
Classification: Uncertain significance. Last evaluated: 2026-08-01. Review status: criteria provided, single submitter. Criteria: CeGaT Center For Human Genetics Tuebingen Variant Classification Criteria Version 2. Collection method: clinical testing. Allele origin: germline. Affected: yes. Observed: 1 variant allele.
Comment: GATA5: PP2, PP3

Labcorp Genetics (formerly Invitae), Labcorp
Classification: Uncertain significance. Last evaluated: 2025-11-12. Review status: criteria provided, single submitter. Criteria: Invitae Variant Classification Sherloc (09022015). Collection method: clinical testing. Allele origin: germline.
Comment: This sequence change replaces serine, which is neutral and polar, with proline, which is neutral and non-polar, at codon 44 of the GATA5 protein (p.Ser44Pro). The frequency data for this variant in the population databases is considered unreliable, as metrics indicate poor data quality at this position in the gnomAD database. This variant has not been reported in the literature in individuals affected with GATA5-related conditions. ClinVar contains an entry for this variant (Variation ID: 1206630). Invitae Evidence Modeling of protein sequence and biophysical properties (such as structural, functional, and spatial information, amino acid conservation, physicochemical variation, residue mobility, and thermodynamic stability) indicates that this missense variant is not expected to disrupt GATA5 protein function with a negative predictive value of 80%. In summary, the available evidence is currently insufficient to determine the role of this variant in disease. Therefore, it has been classified as a Variant of Uncertain Significance.

Ambry Genetics
Classification: Likely benign. Last evaluated: 2025-03-26. Review status: criteria provided, single submitter. Criteria: Ambry Variant Classification Scheme 2023. Collection method: clinical testing. Allele origin: germline.

Blueprint Genetics
Classification: Likely benign. Last evaluated: 2024-11-21. Review status: criteria provided, single submitter. Criteria: ACMG Guidelines, 2015. Collection method: clinical testing. Allele origin: germline.

GeneDx
Classification: Uncertain significance. Last evaluated: 2024-07-31. Review status: criteria provided, single submitter. Criteria: GeneDx Variant Classification Process June 2021. Collection method: clinical testing. Allele origin: germline. Affected: yes.
Comment: Has not been previously published as pathogenic or benign to our knowledge; In silico analysis indicates that this missense variant does not alter protein structure/function